The following is an entry in ClinVar:

NM_001374828.1(ARID1B):c.2058GCAGCC[1] (p.687QP[1])

Gene: ARID1B (AT-rich interaction domain 1B; plus strand). Cytogenetic location: 6q25.3.
Variant type: Microsatellite.
Coding change: c.2058GCAGCC[1] on transcript NM_001374828.1 (MANE Select); one copy of the 6-base unit GCAGCC starting at c.2058; the reference has two copies in a row; one copy, 6 bases deleted.
Protein change: p.687QP[1].
Molecular consequence: inframe deletion.
Genome position (GRCh38, 1-based): chr6:156,901,453-156,901,458, GCAGCC deleted; deleting any 6 consecutive bases within chr6:156,901,447-156,901,458 gives the same sequence; the position shown is the placement nearest the transcript's 3' end. VCF-style (leftmost placement, unchanged base first): chr6-156901446-AGCAGCC-A. GRCh37 (hg19) VCF-style: chr6-157222580-AGCAGCC-A.
Other names: c.2097GCAGCC[1], p.700QP[1] (NM_001371656.1, NM_001374820.1); c.2058GCAGCC[1], p.687QP[1] (NM_001438482.1, NM_001438483.1, NM_001438485.1 and 7 more transcripts).
Identifiers: ClinVar variation 4718608 (VCV004718608.1).

ClinVar aggregate classification (germline): Uncertain significance (1 of 4 stars; one submission).

Submission:

Labcorp Genetics (formerly Invitae), Labcorp
Classification: Uncertain significance. Last evaluated: 2025-05-05. Review status: criteria provided, single submitter. Criteria: Invitae Variant Classification Sherloc (09022015). Collection method: clinical testing. Allele origin: germline.
Comment: This variant, c.1854_1859del, results in the deletion of 2 amino acid(s) of the ARID1B protein (p.Gln619_Pro620del), but otherwise preserves the integrity of the reading frame. This variant is not present in population databases (gnomAD no frequency). This variant has not been reported in the literature in individuals affected with ARID1B-related conditions. Experimental studies and prediction algorithms are not available or were not evaluated, and the functional significance of this variant is currently unknown. In summary, the available evidence is currently insufficient to determine the role of this variant in disease. Therefore, it has been classified as a Variant of Uncertain Significance.